The following is an entry in ClinVar:

NM_000548.5(TSC2):c.1120-3C>T

Gene: TSC2 (TSC complex subunit 2; plus strand). Cytogenetic location: 16p13.3.
Variant type: single nucleotide variant.
Coding change: c.1120-3C>T on transcript NM_000548.5 (MANE Select); 3 bases into the intron before coding-DNA position 1120, C replaced by T.
Molecular consequence: intron variant.
Genome position (GRCh38, 1-based): chr16:2,061,868, C>T. VCF-style: chr16-2061868-C-T. GRCh37 (hg19) VCF-style: chr16-2111869-C-T.
Other names: c.1120-3C>T (NM_001114382.3, NM_021055.3, NM_001370405.1 and 3 more transcripts); c.1009-3C>T (NM_001318827.2); c.520-3C>T (NM_001318831.2); c.973-3C>T (NM_001318829.2); c.1153-3C>T (NM_001318832.2).
Identifiers: ClinVar variation 939574 (VCV000939574.10), dbSNP rs1349958011, ClinGen allele CA620704811.

ClinVar aggregate classification (germline): Uncertain significance. Review status: criteria provided, multiple submitters, no conflicts (2 of 4 stars). 2 submissions from 2 submitters: Uncertain significance (2). Last evaluated 2026-04-30.

Conditions:
Hereditary cancer-predisposing syndrome. Also called: Hereditary Cancer Syndrome; Neoplastic Syndromes, Hereditary; Tumor predisposition; Hereditary neoplastic syndrome. Identifiers: Orphanet 140162, MedGen C0027672, MeSH D009386, MONDO:0015356.
Tuberous sclerosis 2 (TSC2). Identifiers: Orphanet 805, MedGen C1860707, MONDO:0013199, OMIM 613254.

Allele frequency attached by ClinVar (database versions not stated): gnomAD exomes below 0.00001; gnomAD 0.00001.
gnomAD v4.1: 2 of 1,614,002 alleles (0.00012%); highest among the groups gnomAD compares: African/African-American, 0.0013%; no homozygotes.

Submissions (2):

Ambry Genetics
Classification: Uncertain significance for Hereditary cancer-predisposing syndrome. Last evaluated: 2026-04-30. Review status: criteria provided, single submitter. Criteria: Ambry Variant Classification Scheme 2023. Collection method: clinical testing. Allele origin: germline.
Comment: The c.1120-3C>T intronic variant results from a C to T substitution 3 nucleotides upstream from coding exon 11 in the TSC2 gene. This nucleotide position is not well conserved in available vertebrate species. In silico splice site analysis predicts that this alteration will not have any significant effect on splicing. Based on the available evidence, the clinical significance of this variant remains unclear.

Labcorp Genetics (formerly Invitae), Labcorp
Classification: Uncertain significance for Tuberous sclerosis 2. Last evaluated: 2023-02-08. Review status: criteria provided, single submitter. Criteria: Invitae Variant Classification Sherloc (09022015). Collection method: clinical testing. Allele origin: germline.
Comment: Variants that disrupt the consensus splice site are a relatively common cause of aberrant splicing (PMID: 17576681, 9536098). Algorithms developed to predict the effect of sequence changes on RNA splicing suggest that this variant is not likely to affect RNA splicing. ClinVar contains an entry for this variant (Variation ID: 939574). This variant has not been reported in the literature in individuals affected with TSC2-related conditions. This variant is present in population databases (no rsID available, gnomAD 0.005%). This sequence change falls in intron 11 of the TSC2 gene. It does not directly change the encoded amino acid sequence of the TSC2 protein. It affects a nucleotide within the consensus splice site. In summary, the available evidence is currently insufficient to determine the role of this variant in disease. Therefore, it has been classified as a Variant of Uncertain Significance.

Literature cited by the submitters: PubMed 17576681 (cited by Labcorp Genetics (formerly Invitae), Labcorp); PubMed 9536098 (cited by Labcorp Genetics (formerly Invitae), Labcorp).